The following is an entry in ClinVar:

ClinVar aggregate classification (germline): Uncertain significance (1 of 4 stars; one submission).

Allele frequency attached by ClinVar (database versions not stated): gnomAD exomes below 0.00001.
gnomAD v4.1: 1 of 1,612,398 alleles (0.000062%); highest among the groups gnomAD compares: Admixed American, 0.0017%; no homozygotes.

Submission:

GeneDx
Classification: Uncertain significance. Last evaluated: 2023-01-31. Review status: criteria provided, single submitter. Criteria: GeneDx Variant Classification Process June 2021. Collection method: clinical testing. Allele origin: germline. Affected: yes.
Comment: Not observed at significant frequency in large population cohorts (gnomAD); In silico analysis supports that this missense variant has a deleterious effect on protein structure/function; Has not been previously published as pathogenic or benign to our knowledge

NM_001379286.1(ZNF423):c.3436C>G (p.His1146Asp)

Gene: ZNF423 (zinc finger protein 423; minus strand). Cytogenetic location: 16q12.1.
Variant type: single nucleotide variant.
Coding change: c.3436C>G on transcript NM_001379286.1 (MANE Select); coding-DNA position 3436, C replaced by G.
Protein change: p.His1146Asp; replaces histidine 1146 with aspartic acid.
Molecular consequence: missense variant.
Genome position (GRCh38, 1-based): chr16:49,635,740, G>C on the plus strand (C>G on the coding strand, the complement: ZNF423 is on the minus strand). VCF-style: chr16-49635740-G-C. GRCh37 (hg19) VCF-style: chr16-49669651-G-C.
Other names: c.3232C>G, p.His1078Asp (NM_001271620.2); c.3061C>G, p.His1021Asp (NM_001330533.2); c.3412C>G, p.His1138Asp (NM_015069.5); short protein forms H1021D, H1078D, H1138D, H1146D.
Identifiers: ClinVar variation 2574302 (VCV002574302.1), dbSNP rs2506969860, ClinGen allele CA395839368.
Genomic context (GRCh38, chr16:49,635,740, plus strand): 5'-GGGTGCCTTTCCGGGGCCCACTGGTCTCCGGCGTGAGGTCACGGTGGTCCACCTGCATGT[G>C]GCTCTCCAGGTCTTCGGCACTCTCAAACTTGACACTGCACTCGGGGCAACGGAGGCCGGC-3'
Protein context (NP_001366215.1, residues 1136-1156): KFESAEDLES[His1146Asp]MQVDHRDLTP